The following is an entry in ClinVar:

ClinVar aggregate classification (germline): Uncertain significance (1 of 4 stars; one submission).

Conditions:
TBX3-related disorder. Also called: TBX3-related condition.

Submission:

PreventionGenetics, part of Exact Sciences
Classification: Uncertain significance for TBX3-related condition. Last evaluated: 2026-05-10. Review status: criteria provided, single submitter. Criteria: ACMG Guidelines, 2015. Collection method: clinical testing. Allele origin: germline.
Comment: The TBX3 c.2006C>A variant is predicted to result in the amino acid substitution p.Pro669His. To our knowledge, this variant has not been reported in the literature. This variant is reported in 0.0015% of alleles in individuals of European (Non-Finnish) descent in gnomAD. At this time, the clinical significance of this variant is uncertain due to the absence of conclusive functional and genetic evidence.

NM_005996.4(TBX3):c.1946C>A (p.Pro649His)

Gene: TBX3 (T-box transcription factor 3; minus strand). Cytogenetic location: 12q24.21.
Variant type: single nucleotide variant.
Coding change: c.1946C>A on transcript NM_005996.4 (MANE Select); coding-DNA position 1946, C replaced by A.
Protein change: p.Pro649His; replaces proline 649 with histidine.
Molecular consequence: missense variant.
Genome position (GRCh38, 1-based): chr12:114,672,067, G>T on the plus strand (C>A on the coding strand, the complement: TBX3 is on the minus strand). VCF-style: chr12-114672067-G-T. GRCh37 (hg19) VCF-style: chr12-115109872-G-T.
Other names: c.2006C>A, p.Pro669His (NM_016569.4); short protein forms P669H, P649H.
Identifiers: ClinVar variation 4989068 (VCV004989068.1).